The following is an entry in ClinVar:

ClinVar aggregate classification (germline): Uncertain significance. Review status: criteria provided, multiple submitters, no conflicts (2 of 4 stars). 2 submissions from 2 submitters: Uncertain significance (2). Last evaluated 2025-01-08.

Conditions:
Cardiovascular phenotype. Identifiers: MedGen CN230736.
Long QT syndrome (LQTS). Identifiers: MedGen C0023976, MeSH D008133, MONDO:0002442. Disease mechanism: loss of function. Inheritance: Various modes of inheritance.

Allele frequency attached by ClinVar (database versions not stated): gnomAD exomes below 0.00001; TOPMed 0.00002.
gnomAD v4.1: 4 of 1,138,500 alleles (0.00035%); highest among the groups gnomAD compares: Non-Finnish European, 0.00043%; no homozygotes.

Submissions (2):

Ambry Genetics
Classification: Uncertain significance for Cardiovascular phenotype. Last evaluated: 2025-01-08. Review status: criteria provided, single submitter. Criteria: Ambry Variant Classification Scheme 2023. Collection method: clinical testing. Allele origin: germline.
Comment: The p.P45L variant (also known as c.134C>T), located in coding exon 1 of the KCNQ1 gene, results from a C to T substitution at nucleotide position 134. The proline at codon 45 is replaced by leucine, an amino acid with similar properties. This amino acid position is well conserved in available vertebrate species. In addition, the in silico prediction for this alteration is inconclusive. Based on the available evidence, the clinical significance of this variant remains unclear.

Labcorp Genetics (formerly Invitae), Labcorp
Classification: Uncertain significance for Long QT syndrome. Last evaluated: 2023-08-31. Review status: criteria provided, single submitter. Criteria: Invitae Variant Classification Sherloc (09022015). Collection method: clinical testing. Allele origin: germline.
Comment: In summary, the available evidence is currently insufficient to determine the role of this variant in disease. Therefore, it has been classified as a Variant of Uncertain Significance. Advanced modeling of protein sequence and biophysical properties (such as structural, functional, and spatial information, amino acid conservation, physicochemical variation, residue mobility, and thermodynamic stability) performed at Invitae indicates that this missense variant is expected to disrupt KCNQ1 protein function. This variant has not been reported in the literature in individuals affected with KCNQ1-related conditions. This variant is not present in population databases (gnomAD no frequency). This sequence change replaces proline, which is neutral and non-polar, with leucine, which is neutral and non-polar, at codon 45 of the KCNQ1 protein (p.Pro45Leu).

NM_000218.3(KCNQ1):c.134C>T (p.Pro45Leu)

Gene: KCNQ1 (potassium voltage-gated channel subfamily Q member 1; plus strand). Cytogenetic location: 11p15.5.
Variant type: single nucleotide variant.
Coding change: c.134C>T on transcript NM_000218.3 (MANE Select); coding-DNA position 134, C replaced by T.
Protein change: p.Pro45Leu; replaces proline 45 with leucine.
Molecular consequence: missense variant. On other transcripts: 5 prime UTR variant (1).
Genome position (GRCh38, 1-based): chr11:2,445,232, C>T. VCF-style: chr11-2445232-C-T. GRCh37 (hg19) VCF-style: chr11-2466462-C-T.
Other names: c.134C>T, p.Pro45Leu (NM_001406836.1, NM_001406838.1); c.-229C>T (NM_001406837.1); short protein forms P45L.
Identifiers: ClinVar variation 3006889 (VCV003006889.3), dbSNP rs1173954679, ClinGen allele CA379116318.